The following is an entry in ClinVar:

NM_002233.4(KCNA4):c.1563C>T (p.Thr521=)

Gene: KCNA4 (potassium voltage-gated channel subfamily A member 4; minus strand). Cytogenetic location: 11p14.1.
Variant type: single nucleotide variant.
Coding change: c.1563C>T on transcript NM_002233.4 (MANE Select); coding-DNA position 1563, C replaced by T.
Protein change: p.Thr521=; no amino-acid change (threonine 521 retained).
Molecular consequence: synonymous variant.
Genome position (GRCh38, 1-based): chr11:30,011,116, G>A on the plus strand (C>T on the coding strand, the complement: KCNA4 is on the minus strand). VCF-style: chr11-30011116-G-A. GRCh37 (hg19) VCF-style: chr11-30032663-G-A.
Identifiers: ClinVar variation 2498510 (VCV002498510.28), dbSNP rs2494238423, ClinGen allele CA473782207.

ClinVar aggregate classification (germline): Likely benign (1 of 4 stars; one submission).

Submission:

CeGaT Center for Human Genetics Tuebingen
Classification: Likely benign. Last evaluated: 2023-03-01. Review status: criteria provided, single submitter. Criteria: CeGaT Center For Human Genetics Tuebingen Variant Classification Criteria Version 2. Collection method: clinical testing. Allele origin: germline. Affected: yes. Observed: 1 variant allele.
Comment: KCNA4: PM2:Supporting, BP4, BP7